The following is an entry in ClinVar:

NM_000391.4(TPP1):c.1444G>A (p.Gly482Arg)

Gene: TPP1 (tripeptidyl peptidase 1; minus strand). Cytogenetic location: 11p15.4.
Variant type: single nucleotide variant.
Coding change: c.1444G>A on transcript NM_000391.4 (MANE Select); coding-DNA position 1444, G replaced by A.
Protein change: p.Gly482Arg; replaces glycine 482 with arginine.
Molecular consequence: missense variant.
Genome position (GRCh38, 1-based): chr11:6,614,973, C>T on the plus strand (G>A on the coding strand, the complement: TPP1 is on the minus strand). VCF-style: chr11-6614973-C-T. GRCh37 (hg19) VCF-style: chr11-6636204-C-T.
Other names: short protein forms G482R.
Identifiers: ClinVar variation 2905043 (VCV002905043.3), dbSNP rs121908208, ClinGen allele CA379472459.

ClinVar aggregate classification (germline): Likely pathogenic (1 of 4 stars; one submission).

Allele frequency attached by ClinVar (database versions not stated): gnomAD exomes below 0.00001; TOPMed 0.00001.

Submission:

Labcorp Genetics (formerly Invitae), Labcorp
Classification: Likely pathogenic. Last evaluated: 2023-09-24. Review status: criteria provided, single submitter. Criteria: Invitae Variant Classification Sherloc (09022015). Collection method: clinical testing. Allele origin: germline.
Comment: This sequence change replaces glycine, which is neutral and non-polar, with arginine, which is basic and polar, at codon 482 of the TPP1 protein (p.Gly482Arg). This variant is not present in population databases (gnomAD no frequency). This missense change has been observed in individual(s) with late-infantile neuronal ceroid lipofuscinosis (PMID: 19201763, 32404165). In at least one individual the data is consistent with being in trans (on the opposite chromosome) from a pathogenic variant. Advanced modeling of protein sequence and biophysical properties (such as structural, functional, and spatial information, amino acid conservation, physicochemical variation, residue mobility, and thermodynamic stability) performed at Invitae indicates that this missense variant is expected to disrupt TPP1 protein function. In summary, the currently available evidence indicates that the variant is pathogenic, but additional data are needed to prove that conclusively. Therefore, this variant has been classified as Likely Pathogenic.

Literature cited by the submitters: PubMed 19201763; PubMed 32404165.